The following is an entry in ClinVar:

NM_005560.6(LAMA5):c.6347-8del

Gene: LAMA5 (laminin subunit alpha 5; minus strand). Cytogenetic location: 20q13.33.
Variant type: Deletion.
Coding change: c.6347-8del on transcript NM_005560.6 (MANE Select); 8 bases into the intron before coding-DNA position 6347, one base deleted (C; older notation c.6347-8delC).
Molecular consequence: intron variant.
Genome position (GRCh38, 1-based): chr20:62,322,176, G deleted on the plus strand (C on the coding strand, the reverse complement: LAMA5 is on the minus strand); the first of 6 consecutive G bases (chr20:62,322,176-62,322,181); deleting any one gives the same sequence. VCF-style (leftmost placement, unchanged base first): chr20-62322175-TG-T. GRCh37 (hg19) VCF-style: chr20-60897231-TG-T.
Identifiers: ClinVar variation 3032060 (VCV003032060.3), dbSNP rs778709010, ClinGen allele CA9941782.

ClinVar aggregate classification (germline): Benign. Review status: criteria provided, single submitter (1 of 4 stars). 2 submissions from 2 submitters: Benign (1). 1 of the submissions does not count toward it. Last evaluated 2025-04-17.

Conditions:
LAMA5-related disorder. Also called: LAMA5-related condition; LAMA5-Related Disorders.

Submissions (2):

Labcorp Genetics (formerly Invitae), Labcorp
Classification: Benign. Last evaluated: 2025-04-17. Review status: criteria provided, single submitter. Criteria: Invitae Variant Classification Sherloc (09022015). Collection method: clinical testing. Allele origin: germline.

PreventionGenetics, part of Exact Sciences
Classification: Uncertain significance for LAMA5-related condition. Last evaluated: 2024-02-27. Review status: no assertion criteria provided. Collection method: clinical testing. Allele origin: germline. Not counted in ClinVar's aggregate classification.
Comment: The LAMA5 c.6347-8delC variant is predicted to result in an intronic deletion. This variant is predicted to possibly affect the normal splicing (Alamut Visual Plus v1.6.1). To our knowledge, this variant has not been reported in the literature. This variant is reported in 0.033% of alleles in individuals of South Asian descent in gnomAD. At this time, the clinical significance of this variant is uncertain due to the absence of conclusive functional and genetic evidence.